The following is an entry in ClinVar:

ClinVar aggregate classification (germline): Pathogenic (1 of 4 stars; one submission).

Submission:

Labcorp Genetics (formerly Invitae), Labcorp
Classification: Pathogenic. Last evaluated: 2024-02-22. Review status: criteria provided, single submitter. Criteria: Invitae Variant Classification Sherloc (09022015). Collection method: clinical testing. Allele origin: germline.
Comment: This sequence change creates a premature translational stop signal (p.Ser133*) in the RARS2 gene. It is expected to result in an absent or disrupted protein product. Loss-of-function variants in RARS2 are known to be pathogenic (PMID: 17847012, 22569581, 26083569). This variant is not present in population databases (gnomAD no frequency). This variant has not been reported in the literature in individuals affected with RARS2-related conditions. Algorithms developed to predict the effect of sequence changes on RNA splicing suggest that this variant may disrupt the consensus splice site. For these reasons, this variant has been classified as Pathogenic.

Literature cited by the submitters: PubMed 17847012; PubMed 22569581; PubMed 26083569.

NM_020320.5(RARS2):c.398C>G (p.Ser133Ter)

Gene: RARS2 (arginyl-tRNA synthetase 2, mitochondrial; minus strand). Cytogenetic location: 6q15.
Variant type: single nucleotide variant.
Coding change: c.398C>G on transcript NM_020320.5 (MANE Select); coding-DNA position 398, C replaced by G.
Protein change: p.Ser133Ter; replaces serine 133 with a stop codon.
Molecular consequence: nonsense. On other transcripts: 5 prime UTR variant (5), non-coding transcript variant (15), intron variant (2).
Genome position (GRCh38, 1-based): chr6:87,548,644, G>C on the plus strand (C>G on the coding strand, the complement: RARS2 is on the minus strand). VCF-style: chr6-87548644-G-C. GRCh37 (hg19) VCF-style: chr6-88258362-G-C.
Other names: c.398C>G, p.Ser133Ter (NM_001350505.2); c.-128C>G (NM_001350506.2, NM_001350507.2, NM_001350508.2 and 2 more transcripts); c.-74-2945C>G (NM_001350509.2, NM_001318785.2); short protein forms S133*.
Identifiers: ClinVar variation 3642514 (VCV003642514.2).